The following is an entry in ClinVar:

NM_000548.5(TSC2):c.-29-10G>C

Gene: TSC2 (TSC complex subunit 2; plus strand). Cytogenetic location: 16p13.3.
Variant type: single nucleotide variant.
Coding change: c.-29-10G>C on transcript NM_000548.5 (MANE Select); 10 bases into the intron before 29 bases upstream of the start codon, G replaced by C.
Molecular consequence: intron variant.
Genome position (GRCh38, 1-based): chr16:2,048,577, G>C. VCF-style: chr16-2048577-G-C. GRCh37 (hg19) VCF-style: chr16-2098578-G-C.
Other names: c.-29-10G>C (NM_001114382.3, NM_021055.3, NM_001370405.1 and 4 more transcripts); c.-255-10G>C (NM_001318831.2); c.-10+512G>C (NM_001318829.2); c.5-10G>C (NM_001318832.2).
Identifiers: ClinVar variation 137734 (VCV000137734.35), dbSNP rs28537973, ClinGen allele CA018313.

ClinVar aggregate classification (germline): Benign/Likely benign. Review status: criteria provided, multiple submitters, no conflicts (2 of 4 stars). 8 submissions from 8 submitters: Benign (3); Likely benign (3). 2 of the submissions do not count toward it. Last evaluated 2026-08-01.

Conditions:
Tuberous sclerosis syndrome (TSC). Also called: Tuberous Sclerosis Complex; Tuberous sclerosis. Identifiers: Orphanet 805, MedGen C0041341, MONDO:0001734.
Tuberous sclerosis 2 (TSC2). Identifiers: Orphanet 805, MedGen C1860707, MONDO:0013199, OMIM 613254.

Allele frequency attached by ClinVar (database versions not stated): ESP Exome Variant Server 0.00308; 1000 Genomes Project 0.00339; 1000 Genomes Project 30x 0.00344; TOPMed 0.00379.
gnomAD v4.1: 983 of 1,613,440 alleles (0.061%); highest among the groups gnomAD compares: African/African-American, 1.2%; 11 homozygotes.

Submissions (8):

CeGaT Center for Human Genetics Tuebingen
Classification: Likely benign. Last evaluated: 2026-08-01. Review status: criteria provided, single submitter. Criteria: CeGaT Center For Human Genetics Tuebingen Variant Classification Criteria Version 2. Collection method: clinical testing. Allele origin: germline. Affected: yes. Observed: 9 variant alleles.
Comment: TSC2: BS1

Dasa
Classification: Likely benign for Tuberous sclerosis 2. Last evaluated: 2026-03-11. Review status: criteria provided, single submitter. Criteria: DASA Assertion Criteria. Collection method: clinical testing. Allele origin: germline.
Comment: NM_000548.5(TSC2):c.-29-10G>C is an intronic variant. Population frequency is inconsistent with a disease-causing role for this variant, and observations in unaffected individuals support a benign interpretation. Computational prediction algorithms are consistent with a benign effect. Therefore, based on the currently available evidence, this variant is classified as likely benign.

Blueprint Genetics
Classification: Likely benign. Last evaluated: 2024-11-26. Review status: criteria provided, single submitter. Criteria: ACMG Guidelines, 2015. Collection method: clinical testing. Allele origin: germline.

ARUP Laboratories, Molecular Genetics and Genomics, ARUP Laboratories
Classification: Benign. Last evaluated: 2024-10-11. Review status: criteria provided, single submitter. Criteria: ARUP Molecular Germline Variant Investigation Process 2024. Collection method: clinical testing. Allele origin: germline.

Illumina Laboratory Services, Illumina
Classification: Benign for Tuberous sclerosis syndrome. Last evaluated: 2018-01-12. Review status: criteria provided, single submitter. Criteria: ICSL Variant Classification Criteria 13 December 2019. Collection method: clinical testing. Allele origin: germline.
Comment: This variant was observed in the ICSL laboratory as part of a predisposition screen in an ostensibly healthy population. It had not been previously curated by ICSL or reported in the Human Gene Mutation Database (HGMD: prior to June 1st, 2018), and was therefore a candidate for classification through an automated scoring system. Utilizing variant allele frequency, disease prevalence and penetrance estimates, and inheritance mode, an automated score was calculated to assess if this variant is too frequent to cause the disease. Based on the score and internal cut-off values, a variant classified as benign is not then subjected to further curation. The score for this variant resulted in a classification of benign for this disease.

GeneDx
Classification: Benign. Last evaluated: 2013-10-09. Review status: criteria provided, single submitter. Criteria: GeneDx Variant Classification (06012015). Collection method: clinical testing. Allele origin: germline. Affected: yes.
Comment: This variant is considered likely benign or benign based on one or more of the following criteria: it is a conservative change, it occurs at a poorly conserved position in the protein, it is predicted to be benign by multiple in silico algorithms, and/or has population frequency not consistent with disease.

Clinical Genetics DNA and cytogenetics Diagnostics Lab, Erasmus MC, Erasmus Medical Center
Classification: Benign. Review status: no assertion criteria provided. Collection method: clinical testing. Allele origin: germline. Affected: yes. Study: VKGL Data-share Consensus. Not counted in ClinVar's aggregate classification.

Diagnostic Laboratory, Department of Genetics, University Medical Center Groningen
Classification: Benign. Review status: no assertion criteria provided. Collection method: clinical testing. Allele origin: germline. Affected: yes. Study: VKGL Data-share Consensus. Not counted in ClinVar's aggregate classification.